The following is an entry in ClinVar:

NM_016507.4(CDK12):c.3124T>A (p.Leu1042Met)

Gene: CDK12 (cyclin dependent kinase 12; plus strand). Cytogenetic location: 17q12.
Variant type: single nucleotide variant.
Coding change: c.3124T>A on transcript NM_016507.4 (MANE Select); coding-DNA position 3124, T replaced by A.
Protein change: p.Leu1042Met; replaces leucine 1042 with methionine.
Molecular consequence: missense variant.
Genome position (GRCh38, 1-based): chr17:39,524,702, T>A. VCF-style: chr17-39524702-T-A. GRCh37 (hg19) VCF-style: chr17-37680955-T-A.
Other names: c.3124T>A, p.Leu1042Met (NM_015083.4); short protein forms L1042M.
Identifiers: ClinVar variation 4224240 (VCV004224240.1).

ClinVar aggregate classification (germline): Uncertain significance (1 of 4 stars; one submission).

gnomAD v4.1: 5 of 1,614,090 alleles (0.00031%); highest among the groups gnomAD compares: Non-Finnish European, 0.00025%; no homozygotes.

Submission:

Ambry Genetics
Classification: Uncertain significance. Last evaluated: 2025-06-29. Review status: criteria provided, single submitter. Criteria: Ambry Variant Classification Scheme 2023. Collection method: clinical testing. Allele origin: germline.
Comment: The p.L1042M variant (also known as c.3124T>A), located in coding exon 12 of the CDK12 gene, results from a T to A substitution at nucleotide position 3124. The leucine at codon 1042 is replaced by methionine, an amino acid with highly similar properties. This amino acid position is conserved. In addition, this alteration is predicted to be tolerated by in silico analysis. Based on the available evidence, the clinical significance of this variant remains unclear.